The following is an entry in ClinVar:

NC_000016.9:g.(?_8873316)_(8998442_?)dup

Genes: ABAT (4-aminobutyrate aminotransferase; plus strand), CARHSP1 (calcium regulated heat stable protein 1; minus strand), PMM2 (phosphomannomutase 2; plus strand), TMEM186 (transmembrane protein 186; minus strand), USP7 (ubiquitin specific peptidase 7; minus strand). Cytogenetic location: 16p13.2.
Variant type: Duplication.
Identifiers: ClinVar variation 2424680 (VCV002424680.4).

ClinVar aggregate classification (germline): Uncertain significance (1 of 4 stars; one submission).

Submission:

Labcorp Genetics (formerly Invitae), Labcorp
Classification: Uncertain significance. Last evaluated: 2022-07-25. Review status: criteria provided, single submitter. Criteria: Invitae Variant Classification Sherloc (09022015). Collection method: clinical testing. Allele origin: germline.
Comment: In summary, the available evidence is currently insufficient to determine the role of this variant in disease. Therefore, it has been classified as a Variant of Uncertain Significance. Experimental studies and prediction algorithms are not available or were not evaluated, and the functional significance of this variant is currently unknown. This variant has not been reported in the literature in individuals affected with USP7-related conditions. This variant results in a copy number gain of the genomic region encompassing exon(s) 15-31 of the USP7 gene. This region includes the termination codon of the gene. This copy number gain extends beyond the assayed region for this gene and therefore may encompass additional genes. As the precise location of this event is unknown, it may be in tandem or it may be located elsewhere in the genome.